The following is an entry in ClinVar:

NM_001267550.2(TTN):c.7229A>G (p.His2410Arg)

Genes: TTN (titin; minus strand), LOC126806433 (BRD4-independent group 4 enhancer GRCh37_chr2:179638309-179639508; plus strand). Cytogenetic location: 2q31.2.
Variant type: single nucleotide variant.
Coding change: c.7229A>G on transcript NM_001267550.2 (MANE Select); coding-DNA position 7229, A replaced by G.
Protein change: p.His2410Arg; replaces histidine 2410 with arginine.
Molecular consequence: missense variant.
Genome position (GRCh38, 1-based): chr2:178,773,939, T>C on the plus strand (A>G on the coding strand, the complement: TTN is on the minus strand). VCF-style: chr2-178773939-T-C. GRCh37 (hg19) VCF-style: chr2-179638666-T-C.
Other names: c.7229A>G, p.His2410Arg (NM_133379.5, NM_001256850.1, NM_133378.4); c.7091A>G, p.His2364Arg (NM_133432.3, NM_133437.4, NM_003319.4); short protein forms H2364R, H2410R.
Identifiers: ClinVar variation 3356633 (VCV003356633.2), dbSNP rs747828487.

ClinVar aggregate classification (germline): Likely benign. Review status: criteria provided, single submitter (1 of 4 stars). 2 submissions from 2 submitters: Likely benign (1). 1 of the submissions does not count toward it. Last evaluated 2025-04-09.

Conditions:
TTN-related disorder. Also called: TTN-related condition; TTN-related disease; TTN-related disorders.

gnomAD v4.1: 8 of 1,609,860 alleles (0.0005%); highest among the groups gnomAD compares: South Asian, 0.0066%; no homozygotes.

Submissions (2):

Molecular Diagnostic Laboratory for Inherited Cardiovascular Disease, Montreal Heart Institute
Classification: Likely benign. Last evaluated: 2025-04-09. Review status: criteria provided, single submitter. Criteria: ACMG Guidelines, 2015. Collection method: clinical testing. Allele origin: germline. Affected: no.

PreventionGenetics, part of Exact Sciences
Classification: Uncertain significance for TTN-related condition. Last evaluated: 2024-07-23. Review status: no assertion criteria provided. Collection method: clinical testing. Allele origin: germline. Not counted in ClinVar's aggregate classification.
Comment: The TTN c.7229A>G variant is predicted to result in the amino acid substitution p.His2410Arg. To our knowledge, this variant has not been reported in the literature. This variant is reported in 0.0065% of alleles in individuals of South Asian descent in gnomAD. At this time, the clinical significance of this variant is uncertain due to the absence of conclusive functional and genetic evidence.